The following is an entry in ClinVar:

ClinVar aggregate classification (germline): Uncertain significance (1 of 4 stars; one submission).

Allele frequency attached by ClinVar (database versions not stated): 1000 Genomes Project 0.00020; 1000 Genomes Project 30x 0.00016; ESP Exome Variant Server 0.00038; gnomAD 0.00029; ExAC 0.00033.
gnomAD v4.1: 730 of 1,612,986 alleles (0.045%); highest among the groups gnomAD compares: Non-Finnish European, 0.059%; no homozygotes.

Submission:

Labcorp Genetics (formerly Invitae), Labcorp
Classification: Uncertain significance. Last evaluated: 2026-01-05. Review status: criteria provided, single submitter. Criteria: Invitae Variant Classification Sherloc (09022015). Collection method: clinical testing. Allele origin: germline.
Comment: This sequence change replaces lysine, which is basic and polar, with asparagine, which is neutral and polar, at codon 1792 of the FOCAD protein (p.Lys1792Asn). This variant is present in population databases (rs150941499, gnomAD 0.06%), and has an allele count higher than expected for a pathogenic variant. This variant has not been reported in the literature in individuals affected with FOCAD-related conditions. ClinVar contains an entry for this variant (Variation ID: 2692815). Experimental studies and prediction algorithms are not available or were not evaluated, and the functional significance of this variant is currently unknown. In summary, the available evidence is currently insufficient to determine the role of this variant in disease. Therefore, it has been classified as a Variant of Uncertain Significance.

NM_001375567.1(FOCAD):c.5376A>T (p.Lys1792Asn)

Gene: FOCAD (focadhesin; plus strand). Cytogenetic location: 9p21.3.
Variant type: single nucleotide variant.
Coding change: c.5376A>T on transcript NM_001375567.1 (MANE Select); coding-DNA position 5376, A replaced by T.
Protein change: p.Lys1792Asn; replaces lysine 1792 with asparagine.
Molecular consequence: missense variant.
Genome position (GRCh38, 1-based): chr9:20,995,599, A>T. VCF-style: chr9-20995599-A-T. GRCh37 (hg19) VCF-style: chr9-20995598-A-T.
Other names: c.5271A>T, p.Lys1757Asn (NM_001375568.1, NM_001375570.1); c.5376A>T, p.Lys1792Asn (NM_017794.5); short protein forms K1792N, K1757N.
Identifiers: ClinVar variation 2692815 (VCV002692815.3), dbSNP rs150941499, ClinGen allele CA5008297.